The following is an entry in ClinVar:

ClinVar aggregate classification (germline): Pathogenic (1 of 4 stars; one submission).

gnomAD v4.1: 5 of 1,612,174 alleles (0.00031%); highest among the groups gnomAD compares: African/African-American, 0.0027%; no homozygotes.

Submission:

Labcorp Genetics (formerly Invitae), Labcorp
Classification: Pathogenic. Last evaluated: 2024-03-07. Review status: criteria provided, single submitter. Criteria: Invitae Variant Classification Sherloc (09022015). Collection method: clinical testing. Allele origin: germline.
Comment: This sequence change creates a premature translational stop signal (p.Trp1241*) in the OTOF gene. It is expected to result in an absent or disrupted protein product. Loss-of-function variants in OTOF are known to be pathogenic (PMID: 18381613, 19250381, 22575033). This variant is not present in population databases (gnomAD no frequency). This variant has not been reported in the literature in individuals affected with OTOF-related conditions. For these reasons, this variant has been classified as Pathogenic.

Literature cited by the submitters: PubMed 18381613; PubMed 19250381; PubMed 22575033.

NM_194248.3(OTOF):c.3722G>A (p.Trp1241Ter)

Gene: OTOF (otoferlin; minus strand). Cytogenetic location: 2p23.3.
Variant type: single nucleotide variant.
Coding change: c.3722G>A on transcript NM_194248.3 (MANE Select); coding-DNA position 3722, G replaced by A.
Protein change: p.Trp1241Ter; replaces tryptophan 1241 with a stop codon.
Molecular consequence: nonsense.
Genome position (GRCh38, 1-based): chr2:26,473,143, C>T on the plus strand (G>A on the coding strand, the complement: OTOF is on the minus strand). VCF-style: chr2-26473143-C-T. GRCh37 (hg19) VCF-style: chr2-26696011-C-T.
Other names: c.3722G>A, p.Trp1241Ter (NM_001287489.2); c.1481G>A, p.Trp494Ter (NM_004802.4, NM_194323.3); c.1652G>A, p.Trp551Ter (NM_194322.3); short protein forms W1241*, W494*, W551*.
Identifiers: ClinVar variation 3624009 (VCV003624009.2).
Genomic context (GRCh38, chr2:26,473,143, plus strand): 5'-CCTGGGGGGCGTGGAGCCAGGCTTGGTGGCAGGGTGGATGTGGCCATACCCGTGGTGTTC[C>T]AGCTGGGGGCCGAGCGGTCTGGGGGCCGGTAGATGAAGCGTCGCAGGGAGCTGACGGCAT-3'